The following is an entry in ClinVar:

ClinVar aggregate classification (germline): Uncertain significance (1 of 4 stars; one submission).

Conditions:
Familial hypobetalipoproteinemia 1. Also called: APOB-Related Familial Hypobetalipoproteinemia; Hypobetalipoproteinemia, normotriglyceridemic; Acanthocytosis with hypobetalipoproteinemia. Identifiers: MedGen C4551990, MONDO:0014252, OMIM 615558.
Hypercholesterolemia, autosomal dominant, type B (FHCL2). Also called: Hyperlipoproteinemia Type IIb; Familial hypercholesterolemia 2; Familial Hypercholesterolemia Type B; APOLIPOPROTEIN B-100, FAMILIAL DEFECTIVE; APOLIPOPROTEIN B-100, FAMILIAL LIGAND-DEFECTIVE; HYPERCHOLESTEROLEMIA, FAMILIAL, DUE TO LIGAND-DEFECTIVE APOLIPOPROTEIN B. Identifiers: MedGen C1704417, MONDO:0007751, OMIM 144010.

Allele frequency attached by ClinVar (database versions not stated): gnomAD exomes below 0.00001; ExAC 0.00001.
gnomAD v4.1: 1 of 1,614,086 alleles (0.000062%); no homozygotes.

Submission:

Labcorp Genetics (formerly Invitae), Labcorp
Classification: Uncertain significance for Familial hypobetalipoproteinemia 1; Hypercholesterolemia, autosomal dominant, type B. Last evaluated: 2022-07-29. Review status: criteria provided, single submitter. Criteria: Invitae Variant Classification Sherloc (09022015). Collection method: clinical testing. Allele origin: germline.
Comment: In summary, the available evidence is currently insufficient to determine the role of this variant in disease. Therefore, it has been classified as a Variant of Uncertain Significance. Algorithms developed to predict the effect of missense changes on protein structure and function output the following: SIFT: "Deleterious"; PolyPhen-2: "Benign"; Align-GVGD: "Class C0". The isoleucine amino acid residue is found in multiple mammalian species, which suggests that this missense change does not adversely affect protein function. This variant has not been reported in the literature in individuals affected with APOB-related conditions. This variant is present in population databases (rs773822083, gnomAD 0.004%). This sequence change replaces asparagine, which is neutral and polar, with isoleucine, which is neutral and non-polar, at codon 4527 of the APOB protein (p.Asn4527Ile).

NM_000384.3(APOB):c.13580A>T (p.Asn4527Ile)

Gene: APOB (apolipoprotein B; minus strand). Cytogenetic location: 2p24.1.
Variant type: single nucleotide variant.
Coding change: c.13580A>T on transcript NM_000384.3 (MANE Select); coding-DNA position 13580, A replaced by T.
Protein change: p.Asn4527Ile; replaces asparagine 4527 with isoleucine.
Molecular consequence: missense variant.
Genome position (GRCh38, 1-based): chr2:21,001,842, T>A on the plus strand (A>T on the coding strand, the complement: APOB is on the minus strand). VCF-style: chr2-21001842-T-A. GRCh37 (hg19) VCF-style: chr2-21224714-T-A.
Other names: short protein forms N4527I.
Identifiers: ClinVar variation 1714145 (VCV001714145.6), dbSNP rs773822083, ClinGen allele CA053283.